The following is an entry in ClinVar:

ClinVar aggregate classification (germline): Benign (1 of 4 stars; one submission).

Allele frequency attached by ClinVar (database versions not stated): gnomAD 0.04827 and 0.04933; TOPMed 0.04839; 1000 Genomes Project 30x 0.06535; 1000 Genomes Project 0.06543.
gnomAD v4.1: 5,476 of 111,115 alleles (4.9%); highest among the groups gnomAD compares: South Asian, 10%; 105 homozygotes.

Submission:

GeneDx
Classification: Benign. Last evaluated: 2018-06-14. Review status: criteria provided, single submitter. Criteria: GeneDx Variant Classification (06012015). Collection method: clinical testing. Allele origin: germline. Affected: yes.
Comment: This variant is considered likely benign or benign based on one or more of the following criteria: it is a conservative change, it occurs at a poorly conserved position in the protein, it is predicted to be benign by multiple in silico algorithms, and/or has population frequency not consistent with disease.

NM_005032.7(PLS3):c.237+182C>T

Gene: PLS3 (plastin 3; plus strand). Cytogenetic location: Xq23.
Variant type: single nucleotide variant.
Coding change: c.237+182C>T on transcript NM_005032.7 (MANE Select); 182 bases into the intron after coding-DNA position 237, C replaced by T.
Molecular consequence: intron variant.
Genome position (GRCh38, 1-based): chrX:115,622,591, C>T. VCF-style: chrX-115622591-C-T. GRCh37 (hg19) VCF-style: chrX-114856903-C-T.
Other names: c.171+182C>T (NM_001282337.2); c.102+182C>T (NM_001282338.2); c.237+182C>T (NM_001136025.5); c.156+263C>T (NM_001172335.3).
Identifiers: ClinVar variation 671538 (VCV000671538.1), dbSNP rs5987946, ClinGen allele CA334697380.